The following is an entry in ClinVar:

ClinVar aggregate classification (germline): Benign (1 of 4 stars; one submission).

Allele frequency attached by ClinVar (database versions not stated): gnomAD exomes 0.25983; 1000 Genomes Project 0.26597; 1000 Genomes Project 30x 0.27108; TOPMed 0.27492; gnomAD 0.28518 and 0.28952.
gnomAD v4.1: 312,285 of 1,187,560 alleles (26%); highest among the groups gnomAD compares: African/African-American, 37%; 43,757 homozygotes.

Submission:

GeneDx
Classification: Benign. Last evaluated: 2018-06-15. Review status: criteria provided, single submitter. Criteria: GeneDx Variant Classification (06012015). Collection method: clinical testing. Allele origin: germline. Affected: yes.
Comment: This variant is considered likely benign or benign based on one or more of the following criteria: it is a conservative change, it occurs at a poorly conserved position in the protein, it is predicted to be benign by multiple in silico algorithms, and/or has population frequency not consistent with disease.

NM_001105206.3(LAMA4):c.5327-101A>G

Gene: LAMA4 (laminin subunit alpha 4; minus strand). Cytogenetic location: 6q21.
Variant type: single nucleotide variant.
Coding change: c.5327-101A>G on transcript NM_001105206.3 (MANE Select); 101 bases into the intron before coding-DNA position 5327, A replaced by G.
Molecular consequence: intron variant.
Genome position (GRCh38, 1-based): chr6:112,109,683, T>C on the plus strand (A>G on the coding strand, the complement: LAMA4 is on the minus strand). VCF-style: chr6-112109683-T-C. GRCh37 (hg19) VCF-style: chr6-112430886-T-C.
Other names: c.5306-101A>G (NM_002290.5, NM_001105207.3).
Identifiers: ClinVar variation 672745 (VCV000672745.1), dbSNP rs3734291, ClinGen allele CA15422968.